The following is an entry in ClinVar:

ClinVar aggregate classification (germline): Uncertain significance (1 of 4 stars; one submission).

Allele frequency attached by ClinVar (database versions not stated): gnomAD 0.00001.
gnomAD v4.1: 2 of 1,613,870 alleles (0.00012%); highest among the groups gnomAD compares: Non-Finnish European, 0.000085%; no homozygotes.

Submission:

Labcorp Genetics (formerly Invitae), Labcorp
Classification: Uncertain significance. Last evaluated: 2024-01-14. Review status: criteria provided, single submitter. Criteria: Invitae Variant Classification Sherloc (09022015). Collection method: clinical testing. Allele origin: germline.
Comment: This sequence change replaces arginine, which is basic and polar, with glycine, which is neutral and non-polar, at codon 893 of the TOP2B protein (p.Arg893Gly). This variant is present in population databases (no rsID available, gnomAD 0.007%). This variant has not been reported in the literature in individuals affected with TOP2B-related conditions. An algorithm developed to predict the effect of missense changes on protein structure and function (PolyPhen-2) suggests that this variant is likely to be tolerated. In summary, the available evidence is currently insufficient to determine the role of this variant in disease. Therefore, it has been classified as a Variant of Uncertain Significance.

NM_001330700.2(TOP2B):c.2692A>G (p.Arg898Gly)

Gene: TOP2B (DNA topoisomerase II beta; minus strand). Cytogenetic location: 3p24.2.
Variant type: single nucleotide variant.
Coding change: c.2692A>G on transcript NM_001330700.2 (MANE Select); coding-DNA position 2692, A replaced by G.
Protein change: p.Arg898Gly; replaces arginine 898 with glycine.
Molecular consequence: missense variant.
Genome position (GRCh38, 1-based): chr3:25,623,550, T>C on the plus strand (A>G on the coding strand, the complement: TOP2B is on the minus strand). VCF-style: chr3-25623550-T-C. GRCh37 (hg19) VCF-style: chr3-25665041-T-C.
Other names: c.2677A>G, p.Arg893Gly (NM_001068.3); short protein forms R898G, R893G.
Identifiers: ClinVar variation 2763716 (VCV002763716.3), dbSNP rs1439771558, ClinGen allele CA351900397.